The following is an entry in ClinVar:

ClinVar aggregate classification (germline): Uncertain significance (1 of 4 stars; one submission).

Conditions:
Intellectual developmental disorder, autosomal dominant 51. Also called: Intellectual disability, autosomal dominant 51; MENTAL RETARDATION, AUTOSOMAL DOMINANT 51. Identifiers: Orphanet 684226, MedGen C4540474, MONDO:0030917, OMIM 617788.

Allele frequency attached by ClinVar (database versions not stated): TOPMed below 0.00001; gnomAD 0.00001; gnomAD exomes 0.00002.
gnomAD v4.1: 23 of 1,613,970 alleles (0.0014%); highest among the groups gnomAD compares: Non-Finnish European, 0.0019%; no homozygotes.

Submission:

Victorian Clinical Genetics Services, Murdoch Childrens Research Institute
Classification: Uncertain significance for Intellectual developmental disorder, autosomal dominant 51. Last evaluated: 2021-05-06. Review status: criteria provided, single submitter. Criteria: ACMG Guidelines, 2015. Collection method: clinical testing. Allele origin: germline. Inheritance: Autosomal dominant inheritance.
Comment: Based on the classification scheme VCGS_Germline_v1.3.4, this variant is classified as VUS-3C. Following criteria are met: 0102 - Loss of function is a known mechanism of disease in this gene and is associated with KMT5B-related intellectual disability. (I) 0107 - This gene is associated with autosomal dominant disease. (I) 0200 - Variant is predicted to result in a missense amino acid change from tyrosine to histidine. (I) 0251 - This variant is heterozygous. (I) 0302 - Variant is present in gnomAD (v3) <0.001 for a dominant condition (1 heterozygote, 0 homozygotes). (SP) 0309 - An alternative amino acid change at the same position has been observed in gnomAD (v2) (3 heterozygotes, 0 homozygotes). (I) 0503 - Missense variant consistently predicted to be tolerated by multiple in silico tools or not conserved in placental mammals with a minor amino acid change. (SB) 0604 - Variant is not located in an established domain, motif, hotspot or informative constraint region. (I) 0705 - No comparable missense variants have previous evidence for pathogenicity. (I) 0807 - This variant has no previous evidence of pathogenicity. (I) 0905 - No published segregation evidence has been identified for this variant. (I) 1007 - No published functional evidence has been identified for this variant. (I) 1208 - Inheritance information for this variant is not currently available in this individual. (I) Legend: (SP) - Supporting pathogenic, (I) - Information, (SB) - Supporting benign

NM_017635.5(KMT5B):c.1690T>C (p.Tyr564His)

Gene: KMT5B (lysine methyltransferase 5B; minus strand). Cytogenetic location: 11q13.2.
Variant type: single nucleotide variant.
Coding change: c.1690T>C on transcript NM_017635.5 (MANE Select); coding-DNA position 1690, T replaced by C.
Protein change: p.Tyr564His; replaces tyrosine 564 with histidine.
Molecular consequence: missense variant.
Genome position (GRCh38, 1-based): chr11:68,158,656, A>G on the plus strand (T>C on the coding strand, the complement: KMT5B is on the minus strand). VCF-style: chr11-68158656-A-G. GRCh37 (hg19) VCF-style: chr11-67926123-A-G.
Other names: c.1174T>C, p.Tyr392His (NM_001300907.1, NM_001369428.1, NM_001369429.1 and 4 more transcripts); c.970T>C, p.Tyr324His (NM_001300908.2); c.1690T>C, p.Tyr564His (NM_001369426.1); short protein forms Y324H, Y392H, Y564H.
Identifiers: ClinVar variation 1699390 (VCV001699390.3), dbSNP rs1238524382, ClinGen allele CA381593446.
Genomic context (GRCh38, chr11:68,158,656, plus strand): 5'-CAGGAGCTGGCTGCAGCTGTTCACCACTGTCGGGGCAAGGTTCCGTCACACTGCTTTTAT[A>G]GCCATTCAACGTATTTGGTTCAAGCTTGATGTCAGAGGCCTCCTTCAGATTTGTTCTTGT-3'
Protein context (NP_060105.3, residues 554-574): IKLEPNTLNG[Tyr564His]KSSVTEPCPD